The following is an entry in ClinVar:

ClinVar aggregate classification (germline): Conflicting classifications of pathogenicity. Review status: criteria provided, conflicting classifications (1 of 4 stars). 28 submissions from 24 submitters: Uncertain significance (3); Benign (10); Likely benign (9). 6 of the submissions do not count toward it. Last evaluated 2026-09-01.

Conditions:
Hypertrophic cardiomyopathy. Also called: HYPERTROPHIC MYOCARDIOPATHY. Identifiers: Orphanet 217569, MedGen C0007194, MeSH D002312, MONDO:0005045, HP:0001639.
Arrhythmogenic right ventricular cardiomyopathy (ARVD). Also called: Arrhythmogenic Right Ventricular Cardiomyopathy (ARVC); Cardiomyopathy, ARVC; Arrhythmogenic right ventricular dysplasia; Arrhythmogenic cardiomyopathy. Identifiers: Orphanet 247, MedGen C0349788, MeSH D019571, MONDO:0016587. Disease mechanism: loss of function. Inheritance: Various modes of inheritance.
Cardiovascular phenotype. Identifiers: MedGen CN230736.
Autosomal recessive limb-girdle muscular dystrophy type 2J (LGMDR10). Also called: MUSCULAR DYSTROPHY, LIMB-GIRDLE, AUTOSOMAL RECESSIVE 10; Limb-girdle muscular dystrophy, type 2J. Identifiers: Orphanet 140922, MedGen C1837342, MONDO:0012127, OMIM 608807.
Dilated cardiomyopathy 1G (CMD1G). Identifiers: Orphanet 154, MedGen C1858763, MONDO:0011400, OMIM 604145.
Cardiomyopathy (CMYO). Also called: Cardiomyopathies. Identifiers: Orphanet 167848, MedGen C0878544, MONDO:0004994, HP:0001638. Inheritance: Various modes of inheritance.
Early-onset myopathy with fatal cardiomyopathy (CMYO5). Also called: CONGENITAL MYOPATHY 5 WITH CARDIOMYOPATHY; Salih Myopathy. Identifiers: Orphanet 289377, MedGen C2673677, MONDO:0012714, OMIM 611705. Disease mechanism: loss of function.
Myopathy, myofibrillar, 9, with early respiratory failure (MFM9). Also called: Myopathy, distal, with early respiratory failure, autosomal dominant; Hereditary myopathy with early respiratory failure; EDSTROM MYOPATHY; MYOPATHY, PROXIMAL, WITH EARLY RESPIRATORY MUSCLE INVOLVEMENT. Identifiers: Orphanet 178464, Orphanet 34521, MedGen C1863599, MONDO:0011362, OMIM 603689.
Tibial muscular dystrophy (TMD). Also called: Tibial muscular dystrophy, tardive; Udd Distal Myopathy – Tibial Muscular Dystrophy; UDD MYOPATHY. Identifiers: Orphanet 609, MedGen C1838244, MONDO:0010870, OMIM 600334.

Allele frequency attached by ClinVar (database versions not stated): 1000 Genomes Project 0.00180; TOPMed 0.00240; ESP Exome Variant Server 0.00342; 1000 Genomes Project 30x 0.00156; ExAC 0.00273; gnomAD exomes 0.00293 and 0.00386; gnomAD 0.00330 and 0.00343.
gnomAD v4.1: 6,060 of 1,613,780 alleles (0.38%); highest among the groups gnomAD compares: Non-Finnish European, 0.45%; 19 homozygotes.

Submissions 1 to 17 of 28:

CeGaT Center for Human Genetics Tuebingen
Classification: Likely benign. Last evaluated: 2026-09-01. Review status: criteria provided, single submitter. Criteria: CeGaT Center For Human Genetics Tuebingen Variant Classification Criteria Version 2. Collection method: clinical testing. Allele origin: germline. Affected: yes. Observed: 47 variant alleles.
Comment: TTN: BS2

Molecular Diagnostic Laboratory for Inherited Cardiovascular Disease, Montreal Heart Institute
Classification: Likely benign. Last evaluated: 2026-03-27. Review status: criteria provided, single submitter. Criteria: ACMG Guidelines, 2015. Collection method: clinical testing. Allele origin: germline. Affected: no.

Labcorp Genetics (formerly Invitae), Labcorp
Classification: Benign for Dilated cardiomyopathy 1G; Autosomal recessive limb-girdle muscular dystrophy type 2J. Last evaluated: 2026-02-03. Review status: criteria provided, single submitter. Criteria: Invitae Variant Classification Sherloc (09022015). Collection method: clinical testing. Allele origin: germline.

ARUP Laboratories, Molecular Genetics and Genomics, ARUP Laboratories
Classification: Benign. Last evaluated: 2025-03-05. Review status: criteria provided, single submitter. Criteria: ARUP Molecular Germline Variant Investigation Process 2024. Collection method: clinical testing. Allele origin: germline.

Blueprint Genetics
Classification: Likely benign. Last evaluated: 2024-11-25. Review status: criteria provided, single submitter. Criteria: ACMG Guidelines, 2015. Collection method: clinical testing. Allele origin: germline.

Athena Diagnostics
Classification: Benign. Last evaluated: 2024-03-08. Review status: criteria provided, single submitter. Criteria: Athena Diagnostics Criteria. Collection method: clinical testing. Allele origin: unknown.

Women's Health and Genetics/Laboratory Corporation of America, LabCorp
Classification: Likely benign. Last evaluated: 2021-01-14. Review status: criteria provided, single submitter. Criteria: LabCorp Variant Classification Summary - May 2015. Collection method: clinical testing. Allele origin: germline.
Comment: Variant summary: TTN c.80690C>T (p.Ser26897Phe) results in a non-conservative amino acid change located in the A-band region of the encoded protein sequence. Three of five in-silico tools predict a damaging effect of the variant on protein function. The variant allele was found at a frequency of 0.0029 in 248266 control chromosomes in the gnomAD database, including 1 homozygotes. The observed variant frequency is approximately 4.68 fold of the estimated maximal expected allele frequency for a pathogenic variant in TTN causing Cardiomyopathy phenotype (0.00063), strongly suggesting that the variant is benign. c.80690C>T has been reported in the literature in individuals affected with Cardiomyopathy without strong evidence for causality (e.g. Forleo_2017). These reports do not provide unequivocal conclusions about association of the variant with Cardiomyopathy. Co-occurrence with another pathogenic variant has been reported ( MYH7 c.1207C>T, p.Arg403Trp- internal sample), providing supporting evidence for a benign role. To our knowledge, no experimental evidence demonstrating an impact on protein function has been reported. Twelve clinical diagnostic laboratories have submitted clinical-significance assessments for this variant to ClinVar after 2014 without evidence for independent evaluation, citing the variant as likely benign/benign (n=10), and uncertain significance (n=2). Based on the evidence outlined above, the variant was classified as likely benign.

GeneDx
Classification: Benign. Last evaluated: 2020-04-06. Review status: criteria provided, single submitter. Criteria: GeneDx Variant Classification Process June 2021. Collection method: clinical testing. Allele origin: germline. Affected: yes.
Comment: This variant is associated with the following publications: (PMID: 23396983)

CHEO Genetics Diagnostic Laboratory, Children's Hospital of Eastern Ontario
Classification: Benign for Cardiomyopathy. Last evaluated: 2020-01-07. Review status: criteria provided, single submitter. Criteria: ACMG Guidelines, 2015. Collection method: clinical testing. Allele origin: germline. Study: Canadian Open Genetics Repository.

Center for Advanced Laboratory Medicine, UC San Diego Health, University of California San Diego
Classification: Benign for Hypertrophic cardiomyopathy; Arrhythmogenic right ventricular cardiomyopathy. Last evaluated: 2019-04-01. Review status: criteria provided, single submitter. Criteria: ACMG Guidelines, 2015. Collection method: clinical testing. Allele origin: germline. Affected: yes. Observed: 5 variant alleles.

Mayo Clinic Laboratories, Mayo Clinic
Classification: Benign. Last evaluated: 2018-07-03. Review status: criteria provided, single submitter. Criteria: ACMG Guidelines, 2015. Collection method: clinical testing. Allele origin: germline. Observed: 12 variant alleles.

Illumina Laboratory Services, Illumina
Classification: Uncertain significance for Dilated cardiomyopathy 1G. Last evaluated: 2018-01-12. Review status: criteria provided, single submitter. Criteria: ICSL Variant Classification Criteria 13 December 2019. Collection method: clinical testing. Allele origin: germline.

Illumina Laboratory Services, Illumina
Classification: Uncertain significance for Autosomal recessive limb-girdle muscular dystrophy type 2J. Last evaluated: 2018-01-12. Review status: criteria provided, single submitter. Criteria: ICSL Variant Classification Criteria 13 December 2019. Collection method: clinical testing. Allele origin: germline.

Illumina Laboratory Services, Illumina
Classification: Benign for Myopathy, myofibrillar, 9, with early respiratory failure. Last evaluated: 2018-01-12. Review status: criteria provided, single submitter. Criteria: ICSL Variant Classification Criteria 13 December 2019. Collection method: clinical testing. Allele origin: germline.
Comment: This variant was observed in the ICSL laboratory as part of a predisposition screen in an ostensibly healthy population. It had not been previously curated by ICSL or reported in the Human Gene Mutation Database (HGMD: prior to June 1st, 2018), and was therefore a candidate for classification through an automated scoring system. Utilizing variant allele frequency, disease prevalence and penetrance estimates, and inheritance mode, an automated score was calculated to assess if this variant is too frequent to cause the disease. Based on the score and internal cut-off values, a variant classified as benign is not then subjected to further curation. The score for this variant resulted in a classification of benign for this disease.

Illumina Laboratory Services, Illumina
Classification: Uncertain significance for Early-onset myopathy with fatal cardiomyopathy. Last evaluated: 2018-01-12. Review status: criteria provided, single submitter. Criteria: ICSL Variant Classification Criteria 13 December 2019. Collection method: clinical testing. Allele origin: germline.

Illumina Laboratory Services, Illumina
Classification: Benign for Tibial muscular dystrophy. Last evaluated: 2018-01-12. Review status: criteria provided, single submitter. Criteria: ICSL Variant Classification Criteria 13 December 2019. Collection method: clinical testing. Allele origin: germline.
Comment: the same text as in the submission from Illumina Laboratory Services, Illumina above.

Laboratory for Molecular Medicine, Mass General Brigham Personalized Medicine
Classification: Likely benign. Last evaluated: 2017-07-21. Review status: criteria provided, single submitter. Criteria: LMM Criteria. Collection method: clinical testing. Allele origin: germline. Observed: 13 variant alleles.
Comment: p.Ser26897Phe in exon 280 of TTN: This variant is not expected to have clinical significance because it has been identified in 0.6% (163/25786) of Finnish chrom osomes by the Genome Aggregation Database (gnomAD. org; dbSNP rs146181116)

NM_001267550.2(TTN):c.88394C>T (p.Ser29465Phe)

Genes: TTN (titin; minus strand), TTN-AS1 (TTN antisense RNA 1; plus strand). Cytogenetic location: 2q31.2.
Variant type: single nucleotide variant.
Coding change: c.88394C>T on transcript NM_001267550.2 (MANE Select); coding-DNA position 88394, C replaced by T.
Protein change: p.Ser29465Phe; replaces serine 29465 with phenylalanine.
Molecular consequence: missense variant.
Genome position (GRCh38, 1-based): chr2:178,555,065, G>A on the plus strand (C>T on the coding strand, the complement: TTN is on the minus strand). VCF-style: chr2-178555065-G-A. GRCh37 (hg19) VCF-style: chr2-179419792-G-A.
Other names: p.S27824F:TCT>TTT; c.83471C>T, p.Ser27824Phe (NM_001256850.1); c.80690C>T, p.Ser26897Phe (NM_133378.4); c.61199C>T, p.Ser20400Phe (NM_003319.4); c.61574C>T, p.Ser20525Phe (NM_133432.3); c.61775C>T, p.Ser20592Phe (NM_133437.4); short protein forms S29465F, S26897F, S27824F, S20400F, S20592F, S20525F.
Identifiers: ClinVar variation 47477 (VCV000047477.97), dbSNP rs146181116, ClinGen allele CA141128.